The following is an entry in ClinVar:

NM_198129.4(LAMA3):c.7420G>A (p.Asp2474Asn)

Gene: LAMA3 (laminin subunit alpha 3; plus strand). Cytogenetic location: 18q11.2.
Variant type: single nucleotide variant.
Coding change: c.7420G>A on transcript NM_198129.4 (MANE Select); coding-DNA position 7420, G replaced by A.
Protein change: p.Asp2474Asn; replaces aspartic acid 2474 with asparagine.
Molecular consequence: missense variant.
Genome position (GRCh38, 1-based): chr18:23,914,500, G>A. VCF-style: chr18-23914500-G-A. GRCh37 (hg19) VCF-style: chr18-21494464-G-A.
Other names: c.2593G>A, p.Asp865Asn (NM_000227.6); c.7252G>A, p.Asp2418Asn (NM_001127717.4); c.2425G>A, p.Asp809Asn (NM_001127718.4); short protein forms D809N, D2418N, D2474N, D865N.
Identifiers: ClinVar variation 2515272 (VCV002515272.4), dbSNP rs765038018, ClinGen allele CA8916641.
Genomic context (GRCh38, chr18:23,914,500, plus strand): 5'-GTGGATGGCCAGCTCACCTGTGTCTACAACCTGGGGGACCGTGAGGCTGAACTCCAAGTG[G>A]ACCAGATCTTGACCAAGAGTGAGACTAAGGAGGCAGTTATGGATCGGGTGAAATTTCAGA-3'
Protein context (NP_937762.2, residues 2464-2484): LGDREAELQV[Asp2474Asn]QILTKSETKE

ClinVar aggregate classification (germline): Uncertain significance. Review status: criteria provided, multiple submitters, no conflicts (2 of 4 stars). 2 submissions from 2 submitters: Uncertain significance (2). Last evaluated 2025-08-29.

Conditions:
Inborn genetic diseases. Identifiers: MedGen C0950123, MeSH D030342.

Allele frequency attached by ClinVar (database versions not stated): ExAC 0.00006; gnomAD 0.00001; gnomAD exomes 0.00002; TOPMed 0.00002.
gnomAD v4.1: 14 of 1,614,014 alleles (0.00087%); highest among the groups gnomAD compares: Admixed American, 0.023%; no homozygotes.

Submissions (2):

Ambry Genetics
Classification: Uncertain significance for Inborn genetic diseases. Last evaluated: 2025-08-29. Review status: criteria provided, single submitter. Criteria: Ambry Variant Classification Scheme 2023. Collection method: clinical testing. Allele origin: germline.

GeneDx
Classification: Uncertain significance. Last evaluated: 2025-04-21. Review status: criteria provided, single submitter. Criteria: GeneDx Variant Classification Process June 2021. Collection method: clinical testing. Allele origin: germline. Affected: yes.
Comment: In silico analysis supports that this missense variant has a deleterious effect on protein structure/function; Has not been previously published as pathogenic or benign to our knowledge